The following is an entry in ClinVar:

NM_002691.4(POLD1):c.40C>T (p.Pro14Ser)

Gene: POLD1 (DNA polymerase delta 1, catalytic subunit; plus strand). Cytogenetic location: 19q13.33.
Variant type: single nucleotide variant.
Coding change: c.40C>T on transcript NM_002691.4 (MANE Select); coding-DNA position 40, C replaced by T.
Protein change: p.Pro14Ser; replaces proline 14 with serine.
Molecular consequence: missense variant. On other transcripts: non-coding transcript variant (1).
Genome position (GRCh38, 1-based): chr19:50,398,891, C>T. VCF-style: chr19-50398891-C-T. GRCh37 (hg19) VCF-style: chr19-50902148-C-T.
Other names: c.40C>T, p.Pro14Ser (NM_001256849.1, NM_001308632.1); c.40C>T (NM_002691.3); short protein forms P14S.
Identifiers: ClinVar variation 1055019 (VCV001055019.12), dbSNP rs1402598316, ClinGen allele CA406970024.

ClinVar aggregate classification (germline): Uncertain significance. Review status: criteria provided, multiple submitters, no conflicts (2 of 4 stars). 3 submissions from 3 submitters: Uncertain significance (3). Last evaluated 2025-06-04.

Conditions:
POLD1-related polyposis and colorectal cancer syndrome (CRCS10). Also called: Colorectal cancer 10; COLORECTAL CANCER, SUSCEPTIBILITY TO, ON CHROMOSOME 19q; Colorectal cancer, susceptibility to, 10. Identifiers: Orphanet 220460, MedGen C2675481, MONDO:0012953, OMIM 612591.
Hereditary cancer-predisposing syndrome. Also called: Tumor predisposition; Hereditary Cancer Syndrome; Hereditary neoplastic syndrome; Neoplastic Syndromes, Hereditary. Identifiers: Orphanet 140162, MedGen C0027672, MeSH D009386, MONDO:0015356.

Allele frequency attached by ClinVar (database versions not stated): gnomAD exomes 0.00001.
gnomAD v4.1: 16 of 1,605,632 alleles (0.001%); highest among the groups gnomAD compares: Non-Finnish European, 0.0013%; no homozygotes.

Submissions (3):

Labcorp Genetics (formerly Invitae), Labcorp
Classification: Uncertain significance for POLD1-related polyposis and colorectal cancer syndrome. Last evaluated: 2025-06-04. Review status: criteria provided, single submitter. Criteria: Invitae Variant Classification Sherloc (09022015). Collection method: clinical testing. Allele origin: germline.
Comment: This sequence change replaces proline, which is neutral and non-polar, with serine, which is neutral and polar, at codon 14 of the POLD1 protein (p.Pro14Ser). This variant is not present in population databases (gnomAD no frequency). This variant has not been reported in the literature in individuals affected with POLD1-related conditions. ClinVar contains an entry for this variant (Variation ID: 1055019). Experimental studies and prediction algorithms are not available or were not evaluated, and the functional significance of this variant is currently unknown. In summary, the available evidence is currently insufficient to determine the role of this variant in disease. Therefore, it has been classified as a Variant of Uncertain Significance.

Ambry Genetics
Classification: Uncertain significance for Hereditary cancer-predisposing syndrome. Last evaluated: 2024-05-19. Review status: criteria provided, single submitter. Criteria: Ambry Variant Classification Scheme 2023. Collection method: clinical testing. Allele origin: germline.
Comment: The p.P14S variant (also known as c.40C>T), located in coding exon 1 of the POLD1 gene, results from a C to T substitution at nucleotide position 40. The proline at codon 14 is replaced by serine, an amino acid with similar properties. This amino acid position is conserved. In addition, this alteration is predicted to be tolerated by in silico analysis. Since supporting evidence is limited at this time, the clinical significance of this alteration remains unclear.

GeneDx
Classification: Uncertain significance. Last evaluated: 2024-04-05. Review status: criteria provided, single submitter. Criteria: GeneDx Variant Classification Process June 2021. Collection method: clinical testing. Allele origin: germline. Affected: yes.
Comment: Not observed at significant frequency in large population cohorts (gnomAD); In silico analysis supports that this missense variant does not alter protein structure/function; Has not been previously published as pathogenic or benign to our knowledge